The following is an entry in ClinVar:

NM_002691.4(POLD1):c.2371C>T (p.Arg791Trp)

Gene: POLD1 (DNA polymerase delta 1, catalytic subunit; plus strand). Cytogenetic location: 19q13.33.
Variant type: single nucleotide variant.
Coding change: c.2371C>T on transcript NM_002691.4 (MANE Select); coding-DNA position 2371, C replaced by T.
Protein change: p.Arg791Trp; replaces arginine 791 with tryptophan.
Molecular consequence: missense variant. On other transcripts: non-coding transcript variant (1).
Genome position (GRCh38, 1-based): chr19:50,413,862, C>T. VCF-style: chr19-50413862-C-T. GRCh37 (hg19) VCF-style: chr19-50917119-C-T.
Other names: c.2371C>T, p.Arg791Trp (NM_001256849.1); c.2449C>T, p.Arg817Trp (NM_001308632.1); short protein forms R791W, R817W.
Identifiers: ClinVar variation 387924 (VCV000387924.14), dbSNP rs1057522945, ClinGen allele CA16608362.

ClinVar aggregate classification (germline): Uncertain significance. Review status: criteria provided, multiple submitters, no conflicts (2 of 4 stars). 3 submissions from 3 submitters: Uncertain significance (3). Last evaluated 2025-11-26.

Conditions:
Hereditary cancer-predisposing syndrome. Also called: Neoplastic Syndromes, Hereditary; Hereditary neoplastic syndrome; Hereditary Cancer Syndrome; Tumor predisposition. Identifiers: Orphanet 140162, MedGen C0027672, MeSH D009386, MONDO:0015356.
POLD1-related polyposis and colorectal cancer syndrome (CRCS10). Also called: Colorectal cancer, susceptibility to, 10; Colorectal cancer 10; COLORECTAL CANCER, SUSCEPTIBILITY TO, ON CHROMOSOME 19q. Identifiers: Orphanet 220460, MedGen C2675481, MONDO:0012953, OMIM 612591.

Allele frequency attached by ClinVar (database versions not stated): gnomAD exomes below 0.00001.
gnomAD v4.1: 4 of 1,604,350 alleles (0.00025%); highest among the groups gnomAD compares: Non-Finnish European, 0.00034%; no homozygotes.

Submissions (3):

Labcorp Genetics (formerly Invitae), Labcorp
Classification: Uncertain significance for POLD1-related polyposis and colorectal cancer syndrome. Last evaluated: 2025-11-26. Review status: criteria provided, single submitter. Criteria: Invitae Variant Classification Sherloc (09022015). Collection method: clinical testing. Allele origin: germline.
Comment: This sequence change replaces arginine, which is basic and polar, with tryptophan, which is neutral and slightly polar, at codon 791 of the POLD1 protein (p.Arg791Trp). This variant is not present in population databases (gnomAD no frequency). This variant has not been reported in the literature in individuals affected with POLD1-related conditions. ClinVar contains an entry for this variant (Variation ID: 387924). Invitae Evidence Modeling of protein sequence and biophysical properties (such as structural, functional, and spatial information, amino acid conservation, physicochemical variation, residue mobility, and thermodynamic stability) indicates that this missense variant is not expected to disrupt POLD1 protein function with a negative predictive value of 80%. In summary, the available evidence is currently insufficient to determine the role of this variant in disease. Therefore, it has been classified as a Variant of Uncertain Significance.

Ambry Genetics
Classification: Uncertain significance for Hereditary cancer-predisposing syndrome. Last evaluated: 2024-12-10. Review status: criteria provided, single submitter. Criteria: Ambry Variant Classification Scheme 2023. Collection method: clinical testing. Allele origin: germline.
Comment: The p.R791W variant (also known as c.2371C>T), located in coding exon 18 of the POLD1 gene, results from a C to T substitution at nucleotide position 2371. The arginine at codon 791 is replaced by tryptophan, an amino acid with dissimilar properties. This amino acid position is conserved. In addition, this alteration is predicted to be tolerated by in silico analysis. Based on the available evidence, the clinical significance of this variant remains unclear.

GeneDx
Classification: Uncertain significance. Last evaluated: 2017-12-06. Review status: criteria provided, single submitter. Criteria: GeneDx Variant Classification (06012015). Collection method: clinical testing. Allele origin: germline. Affected: yes.
Comment: This variant is denoted POLD1 c.2371C>T at the cDNA level, p.Arg791Trp (R791W) at the protein level, and results in the change of an Arginine to a Tryptophan (CGG>TGG). This variant has not, to our knowledge, been published in the literature as pathogenic or benign. POLD1 Arg791Trp was not observed in large population cohorts (Lek 2016). Since Arginine and Tryptophan differ in polarity, charge, size or other properties, this is considered a non-conservative amino acid substitution. POLD1 Arg791Trp is located in the polymerase domain (Preston 2010). In-silico analyses, including protein predictors and evolutionary conservation, support a deleterious effect. Based on currently available evidence, it is unclear whether POLD1 Arg791Trp is a pathogenic or benign variant. We consider it to be a variant of uncertain significance.